The following is an entry in ClinVar:

NM_000282.4(PCCA):c.734C>G (p.Ser245Ter)

Gene: PCCA (propionyl-CoA carboxylase subunit alpha; plus strand). Cytogenetic location: 13q32.3.
Variant type: single nucleotide variant.
Coding change: c.734C>G on transcript NM_000282.4 (MANE Select); coding-DNA position 734, C replaced by G.
Protein change: p.Ser245Ter; replaces serine 245 with a stop codon.
Molecular consequence: nonsense. On other transcripts: 5 prime UTR variant (3), non-coding transcript variant (5).
Genome position (GRCh38, 1-based): chr13:100,262,746, C>G. VCF-style: chr13-100262746-C-G. GRCh37 (hg19) VCF-style: chr13-100915000-C-G.
Other names: c.656C>G, p.Ser219Ter (NM_001127692.3, NM_001352607.2, NM_001352608.2); c.734C>G, p.Ser245Ter (NM_001178004.2, NM_001352605.2, NM_001352606.2 and 1 more transcripts); c.-212C>G (NM_001352610.2, NM_001352611.2, NM_001352612.2); short protein forms S245*, S219*.
Identifiers: ClinVar variation 638024 (VCV000638024.9), dbSNP rs1594992191, ClinGen allele CA388694250.

ClinVar aggregate classification (germline): Pathogenic. Review status: criteria provided, single submitter (1 of 4 stars). 2 submissions from 2 submitters: Pathogenic (1). 1 of the submissions does not count toward it. Last evaluated 2024-11-16.

Conditions:
Propionic acidemia (PROP). Also called: GLYCINEMIA, KETOTIC; HYPERGLYCINEMIA WITH KETOACIDOSIS AND LEUKOPENIA; KETOTIC HYPERGLYCINEMIA. Identifiers: Orphanet 35, MedGen C0268579, MONDO:0011628, OMIM 606054, HP:0003571.

Submissions (2):

Labcorp Genetics (formerly Invitae), Labcorp
Classification: Pathogenic for Propionic acidemia. Last evaluated: 2024-11-16. Review status: criteria provided, single submitter. Criteria: Invitae Variant Classification Sherloc (09022015). Collection method: clinical testing. Allele origin: germline.
Comment: This sequence change creates a premature translational stop signal (p.Ser245*) in the PCCA gene. It is expected to result in an absent or disrupted protein product. Loss-of-function variants in PCCA are known to be pathogenic (PMID: 15464417). This variant is not present in population databases (gnomAD no frequency). This variant has not been reported in the literature in individuals affected with PCCA-related conditions. ClinVar contains an entry for this variant (Variation ID: 638024). For these reasons, this variant has been classified as Pathogenic.

Laboratory of Metabolic Disorders, Peking University First Hospital
Classification: Pathogenic for Propionic acidemia. Last evaluated: 2019-05-08. Review status: no assertion criteria provided. Collection method: clinical testing. Allele origin: inherited. Affected: yes. Not counted in ClinVar's aggregate classification.

Literature cited by the submitters: PubMed 15464417 (cited by Labcorp Genetics (formerly Invitae), Labcorp).